The following is an entry in ClinVar:

NM_003321.5(TUFM):c.534T>C (p.His178=)

Gene: TUFM (Tu translation elongation factor, mitochondrial; minus strand). Cytogenetic location: 16p11.2.
Variant type: single nucleotide variant.
Coding change: c.534T>C on transcript NM_003321.5 (MANE Select); coding-DNA position 534, T replaced by C.
Protein change: p.His178=; no amino-acid change (histidine 178 retained).
Molecular consequence: synonymous variant.
Genome position (GRCh38, 1-based): chr16:28,844,848, A>G on the plus strand (T>C on the coding strand, the complement: TUFM is on the minus strand). VCF-style: chr16-28844848-A-G. GRCh37 (hg19) VCF-style: chr16-28856169-A-G.
Other names: c.534T>C, p.His178= (NM_001365360.2).
Identifiers: ClinVar variation 2168907 (VCV002168907.6), dbSNP rs369390280, ClinGen allele CA7985599.

ClinVar aggregate classification (germline): Likely benign. Review status: criteria provided, multiple submitters, no conflicts (2 of 4 stars). 2 submissions from 2 submitters: Likely benign (2). Last evaluated 2026-05-01.

Allele frequency attached by ClinVar (database versions not stated): ExAC 0.00003; gnomAD 0.00007; gnomAD exomes 0.00007; ESP Exome Variant Server 0.00008; TOPMed 0.00008.
gnomAD v4.1: 122 of 1,613,888 alleles (0.0076%); highest among the groups gnomAD compares: Non-Finnish European, 0.0095%; no homozygotes.

Submissions (2):

CeGaT Center for Human Genetics Tuebingen
Classification: Likely benign. Last evaluated: 2026-05-01. Review status: criteria provided, single submitter. Criteria: CeGaT Center For Human Genetics Tuebingen Variant Classification Criteria Version 2. Collection method: clinical testing. Allele origin: germline. Affected: yes. Observed: 1 variant allele.
Comment: TUFM: BP4, BP7

Labcorp Genetics (formerly Invitae), Labcorp
Classification: Likely benign. Last evaluated: 2025-02-24. Review status: criteria provided, single submitter. Criteria: Invitae Variant Classification Sherloc (09022015). Collection method: clinical testing. Allele origin: germline.